The following is an entry in ClinVar:

ClinVar aggregate classification (germline): Pathogenic (1 of 4 stars; one submission).

Submission:

Labcorp Genetics (formerly Invitae), Labcorp
Classification: Pathogenic. Last evaluated: 2025-03-24. Review status: criteria provided, single submitter. Criteria: Invitae Variant Classification Sherloc (09022015). Collection method: clinical testing. Allele origin: germline.
Comment: This sequence change creates a premature translational stop signal (p.Tyr3940Asnfs*19) in the USH2A gene. It is expected to result in an absent or disrupted protein product. Loss-of-function variants in USH2A are known to be pathogenic (PMID: 10729113, 10909849, 20507924, 25649381). This variant is not present in population databases (gnomAD no frequency). This variant has not been reported in the literature in individuals affected with USH2A-related conditions. ClinVar contains an entry for this variant (Variation ID: 1076393). For these reasons, this variant has been classified as Pathogenic.

Literature cited by the submitters: PubMed 10729113; PubMed 10909849; PubMed 20507924; PubMed 25649381.

NM_206933.4(USH2A):c.11815_11816dup (p.Tyr3940fs)

Gene: USH2A (usherin; minus strand). Cytogenetic location: 1q41.
Variant type: Duplication.
Coding change: c.11815_11816dup on transcript NM_206933.4 (MANE Select); coding-DNA positions 11815 to 11816, 2 bases duplicated (GA; older notation c.11815_11816dupGA).
Protein change: p.Tyr3940fs; shifts the reading frame from tyrosine 3940.
Molecular consequence: frameshift variant.
Genome position (GRCh38, 1-based): chr1:215,728,280-215,728,281, TC duplicated on the plus strand (GA on the coding strand, the reverse complement: USH2A is on the minus strand). VCF-style (leftmost placement, unchanged base first): chr1-215728279-T-TTC. GRCh37 (hg19) VCF-style: chr1-215901621-T-TTC.
Other names: short protein forms Y3940fs.
Identifiers: ClinVar variation 1076393 (VCV001076393.7), dbSNP rs2102713688, ClinGen allele CA2499214464.